The following is an entry in ClinVar:

ClinVar aggregate classification (germline): Pathogenic (1 of 4 stars; one submission).

Submission:

GeneDx
Classification: Pathogenic. Last evaluated: 2018-06-01. Review status: criteria provided, single submitter. Criteria: GeneDx Variant Classification (06012015). Collection method: clinical testing. Allele origin: germline. Affected: yes.
Comment: The c.397delG pathogenic variant in the NHS gene causes a frameshift starting with codon Alanine 133, changes this amino acid to a Proline residue and creates a premature Stop codon at position 63 of the new reading frame, denoted p.Ala133ProfsX63. This pathogenic variant is predicted to cause loss of normal protein function either through protein truncation or nonsense-mediated mRNA decay. The c.397delG variant is not observed in large population cohorts (Lek et al., 2016). Therefore, this variant is pathogenic.

NM_001291867.2(NHS):c.397del (p.Ala133fs)

Gene: NHS (NHS actin remodeling regulator; plus strand). Cytogenetic location: Xp22.2.
Variant type: Deletion.
Coding change: c.397del on transcript NM_001291867.2 (MANE Select); coding-DNA position 397, one base deleted (G; older notation c.397delG).
Protein change: p.Ala133fs; shifts the reading frame from alanine 133.
Molecular consequence: frameshift variant.
Genome position (GRCh38, 1-based): chrX:17,376,154, G deleted; the last of 2 consecutive G bases (chrX:17,376,153-17,376,154); deleting either gives the same sequence. VCF-style (leftmost placement, unchanged base first): chrX-17376152-TG-T. GRCh37 (hg19) VCF-style: chrX-17394275-TG-T.
Other names: c.397del, p.Ala133fs (NM_198270.4); short protein forms A133fs.
Identifiers: ClinVar variation 546440 (VCV000546440.2), dbSNP rs1555981408, ClinGen allele CA658824671.
Genomic context (GRCh38, chrX:17,376,152, plus strand): 5'-CGGCGGCGGCGGCGGCCGTGCTGCTCATGCTGGACCTATGCGCGGTCAGCAACGCCGCTC[TG>T]GCCCGTGTCCTCCGGCAGCTCTCGGACGTGGCCCGGCACGCTTGCAGCCTCTTCCAGGAG-3'